The following is an entry in ClinVar:

ClinVar aggregate classification (germline): Likely pathogenic (0 of 4 stars; one submission).

Conditions:
Bardet-Biedl syndrome 7 (BBS7). Identifiers: Orphanet 110, MedGen C1859565, MONDO:0014435, OMIM 615984.

Submission:

Department of Pediatrics, National Cheng-Kung University Hospital
Classification: Likely pathogenic for Bardet-Biedl syndrome 7. Review status: no assertion criteria provided. Collection method: clinical testing. Allele origin: germline. Inheritance: Autosomal recessive inheritance. Affected: yes.
Comment: The E562fs variant in BBS7 is a novel mutation detected by a WES survey for a group of patients suspicious of syndromic ciliopathy. Despite no functional assay, it is a frameshift mutation predicted to cause premature protein truncation, and multiple computational predictive software support its pathogenicity. In summary, the E562fs variant in BBS7 meets the criteria of ACMG/AMP guidelines (1 very strong (PVS1), 1 moderate (PM2), and 2 supporting (PP3, PP4)) to be classified as pathogenic. It is interpreted as pathogenic by ACMG guideline. However, additional experimental data are needed to provide final evidence. Therefore, this variant was classified as likely Pathogenic.

NM_176824.3(BBS7):c.1685_1686del (p.Glu562fs)

Gene: BBS7 (Bardet-Biedl syndrome 7; minus strand). Cytogenetic location: 4q27.
Variant type: Microsatellite.
Coding change: c.1685_1686del on transcript NM_176824.3 (MANE Select); coding-DNA positions 1685 to 1686, 2 bases deleted (AG; older notation c.1685_1686delAG).
Protein change: p.Glu562fs; shifts the reading frame from glutamic acid 562.
Molecular consequence: frameshift variant.
Genome position (GRCh38, 1-based): chr4:121,828,719-121,828,720, CT deleted on the plus strand (AG on the coding strand, the reverse complement: BBS7 is on the minus strand); deleting any 2 consecutive bases within chr4:121,828,719-121,828,723 gives the same sequence; the c. name uses the placement nearest the transcript's 3' end. VCF-style (leftmost placement, unchanged base first): chr4-121828718-CCT-C. GRCh37 (hg19) VCF-style: chr4-122749873-CCT-C.
Other names: c.1685_1686del, p.Glu562fs (NM_018190.4); short protein forms E562fs.
Identifiers: ClinVar variation 2584780 (VCV002584780.3), dbSNP rs2476804031, ClinGen allele CA2582341565.